The following is an entry in ClinVar:

ClinVar aggregate classification (germline): Benign (0 of 4 stars; one submission).

Conditions:
PLXNA3-related disorder. Also called: PLXNA3-related condition.

Allele frequency attached by ClinVar (database versions not stated): gnomAD exomes 0.00178; ExAC 0.01063; gnomAD 0.01835; TOPMed 0.02068; 1000 Genomes Project 0.02119; 1000 Genomes Project 30x 0.02185; ESP Exome Variant Server 0.02551.
gnomAD v4.1: 4,091 of 1,195,335 alleles (0.34%); highest among the groups gnomAD compares: African/African-American, 6.3%; 86 homozygotes.

Submission:

PreventionGenetics, part of Exact Sciences
Classification: Benign for PLXNA3-related condition. Last evaluated: 2020-01-06. Review status: no assertion criteria provided. Collection method: clinical testing. Allele origin: germline.
Comment: This variant is classified as benign based on ACMG/AMP sequence variant interpretation guidelines (Richards et al. 2015 PMID: 25741868, with internal and published modifications).

NM_017514.5(PLXNA3):c.3039C>T (p.Pro1013=)

Gene: PLXNA3 (plexin A3; plus strand). Cytogenetic location: Xq28.
Variant type: single nucleotide variant.
Coding change: c.3039C>T on transcript NM_017514.5 (MANE Select); coding-DNA position 3039, C replaced by T.
Protein change: p.Pro1013=; no amino-acid change (proline 1013 retained).
Molecular consequence: synonymous variant.
Genome position (GRCh38, 1-based): chrX:154,466,725, C>T. VCF-style: chrX-154466725-C-T. GRCh37 (hg19) VCF-style: chrX-153695068-C-T.
Identifiers: ClinVar variation 3055829 (VCV003055829.2), dbSNP rs34401913, ClinGen allele CA10564544.